The following is an entry in ClinVar:

NM_015443.4(KANSL1):c.1189G>A (p.Ala397Thr)

Gene: KANSL1 (KAT8 regulatory NSL complex subunit 1). Cytogenetic location: 17q21.31.
Variant type: single nucleotide variant.
Coding change: c.1189G>A on transcript NM_015443.4 (MANE Select); coding-DNA position 1189, G replaced by A.
Protein change: p.Ala397Thr; replaces alanine 397 with threonine.
Molecular consequence: missense variant.
Genome position (GRCh38, 1-based): chr17:46,170,955, C>T on the plus strand (G>A on the coding strand, the complement: KANSL1 is on the minus strand). VCF-style: chr17-46170955-C-T. GRCh37 (hg19) VCF-style: chr17-44248321-C-T.
Other names: p.A397T:GCA>ACA; c.1189G>A, p.Ala397Thr (NM_001193465.2, NM_001193466.2, NM_001379198.1); short protein forms A397T.
Identifiers: ClinVar variation 205783 (VCV000205783.34), dbSNP rs138565467, ClinGen allele CA315192.
Genomic context (GRCh38, chr17:46,170,955, plus strand): 5'-CTTCCTCTTCAATATCAGACTCCCCTCCTGAACTACTGTCAGTGACATCTGAATCAAATG[C>T]CTGTTCACTGCACCTCAAGTTGGCTATGCCACTAGCTGTAAATCTCTCCAATTCTTCTGA-3'
Protein context (NP_056258.1, residues 387-407): GIANLRCSEQ[Ala397Thr]FDSDVTDSSS

ClinVar aggregate classification (germline): Likely benign. Review status: criteria provided, multiple submitters, no conflicts (2 of 4 stars). 3 submissions from 3 submitters: Likely benign (3). Last evaluated 2024-03-01.

Conditions:
Koolen-de Vries syndrome (KDVS). Identifiers: Orphanet 96169, MedGen C1864871, MONDO:0012496, OMIM 610443.

Allele frequency attached by ClinVar (database versions not stated): gnomAD exomes 0.00003 and 0.00011; ExAC 0.00006; gnomAD 0.00007 and 0.00009; TOPMed 0.00009; ESP Exome Variant Server 0.00015.
gnomAD v4.1: 168 of 1,614,046 alleles (0.01%); highest among the groups gnomAD compares: Non-Finnish European, 0.013%; no homozygotes.

Submissions (3):

CeGaT Center for Human Genetics Tuebingen
Classification: Likely benign. Last evaluated: 2024-03-01. Review status: criteria provided, single submitter. Criteria: CeGaT Center For Human Genetics Tuebingen Variant Classification Criteria Version 2. Collection method: clinical testing. Allele origin: germline. Affected: yes. Observed: 2 variant alleles.
Comment: KANSL1: BP1, BP4

Labcorp Genetics (formerly Invitae), Labcorp
Classification: Likely benign for Koolen-de Vries syndrome. Last evaluated: 2024-01-24. Review status: criteria provided, single submitter. Criteria: Invitae Variant Classification Sherloc (09022015). Collection method: clinical testing. Allele origin: germline.

GeneDx
Classification: Likely benign. Last evaluated: 2018-12-24. Review status: criteria provided, single submitter. Criteria: GeneDx Variant Classification Process June 2021. Collection method: clinical testing. Allele origin: germline. Affected: yes.